The following is an entry in ClinVar:

NM_021830.5(TWNK):c.341T>G (p.Met114Arg)

Gene: TWNK (twinkle mtDNA helicase; plus strand). Cytogenetic location: 10q24.31.
Variant type: single nucleotide variant.
Coding change: c.341T>G on transcript NM_021830.5 (MANE Select); coding-DNA position 341, T replaced by G.
Protein change: p.Met114Arg; replaces methionine 114 with arginine.
Molecular consequence: missense variant. On other transcripts: non-coding transcript variant (4), intron variant (3).
Genome position (GRCh38, 1-based): chr10:100,988,551, T>G. VCF-style: chr10-100988551-T-G. GRCh37 (hg19) VCF-style: chr10-102748308-T-G.
Other names: c.341T>G, p.Met114Arg (NM_001163812.2); c.-120+938T>G (NM_001163814.2, NM_001163813.2); c.-58+938T>G (NM_001368275.1); short protein forms M114R.
Identifiers: ClinVar variation 1303544 (VCV001303544.10), dbSNP rs765038479, ClinGen allele CA5653053.

ClinVar aggregate classification (germline): Uncertain significance. Review status: criteria provided, multiple submitters, no conflicts (2 of 4 stars). 2 submissions from 2 submitters: Uncertain significance (2). Last evaluated 2026-09-11.

Allele frequency attached by ClinVar (database versions not stated): ExAC 0.00005; gnomAD 0.00001; TOPMed 0.00002; gnomAD exomes 0.00003.

Submissions (2):

GeneDx
Classification: Uncertain significance. Last evaluated: 2026-09-11. Review status: criteria provided, single submitter. Criteria: GeneDx Variant Classification Process June 2021. Collection method: clinical testing. Allele origin: germline.
Comment: Identified with another variant in TWNK (phase unknown) in an individual with chronic progressive external ophthalmoplegia (PMID: 27822509); In silico analysis suggests that this missense variant does not alter protein structure/function; This variant is associated with the following publications: (PMID: 27822509)

Labcorp Genetics (formerly Invitae), Labcorp
Classification: Uncertain significance. Last evaluated: 2025-09-24. Review status: criteria provided, single submitter. Criteria: Invitae Variant Classification Sherloc (09022015). Collection method: clinical testing. Allele origin: germline.
Comment: This sequence change replaces methionine, which is neutral and non-polar, with arginine, which is basic and polar, at codon 114 of the TWNK protein (p.Met114Arg). This variant is present in population databases (rs765038479, gnomAD 0.007%). This missense change has been observed in individual(s) with progressive external ophthalmoplegia with mitochondrial DNA deletions (PMID: 27822509). ClinVar contains an entry for this variant (Variation ID: 1303544). Invitae Evidence Modeling of protein sequence and biophysical properties (such as structural, functional, and spatial information, amino acid conservation, physicochemical variation, residue mobility, and thermodynamic stability) indicates that this missense variant is not expected to disrupt TWNK protein function with a negative predictive value of 95%. In summary, the available evidence is currently insufficient to determine the role of this variant in disease. Therefore, it has been classified as a Variant of Uncertain Significance.

Literature cited by the submitters: PubMed 27822509 (cited by Labcorp Genetics (formerly Invitae), Labcorp).